The following is an entry in ClinVar:

ClinVar aggregate classification (germline): Likely benign. Review status: criteria provided, multiple submitters, no conflicts (2 of 4 stars). 3 submissions from 3 submitters: Likely benign (3). Last evaluated 2024-06-24.

Allele frequency attached by ClinVar (database versions not stated): gnomAD exomes 0.00008 and 0.00019; ExAC 0.00025; 1000 Genomes Project 30x 0.00031; 1000 Genomes Project 0.00040; ESP Exome Variant Server 0.00046; gnomAD 0.00057 and 0.00061; TOPMed 0.00074.
gnomAD v4.1: 211 of 1,569,558 alleles (0.013%); highest among the groups gnomAD compares: African/African-American, 0.16%; 1 homozygote.

Submissions (3):

Blueprint Genetics
Classification: Likely benign. Last evaluated: 2024-06-24. Review status: criteria provided, single submitter. Criteria: ACMG Guidelines, 2015. Collection method: clinical testing. Allele origin: germline.

CeGaT Center for Human Genetics Tuebingen
Classification: Likely benign. Last evaluated: 2024-06-01. Review status: criteria provided, single submitter. Criteria: CeGaT Center For Human Genetics Tuebingen Variant Classification Criteria Version 2. Collection method: clinical testing. Allele origin: germline. Affected: yes. Observed: 1 variant allele.
Comment: DDX59: BP4, BP7

Labcorp Genetics (formerly Invitae), Labcorp
Classification: Likely benign. Last evaluated: 2024-02-16. Review status: criteria provided, single submitter. Criteria: Invitae Variant Classification Sherloc (09022015). Collection method: clinical testing. Allele origin: germline.

NM_001031725.6(DDX59):c.1329T>C (p.Phe443=)

Gene: DDX59 (DEAD-box helicase 59; minus strand). Cytogenetic location: 1q32.1.
Variant type: single nucleotide variant.
Coding change: c.1329T>C on transcript NM_001031725.6 (MANE Select); coding-DNA position 1329, T replaced by C.
Protein change: p.Phe443=; no amino-acid change (phenylalanine 443 retained).
Molecular consequence: synonymous variant. On other transcripts: intron variant (1).
Genome position (GRCh38, 1-based): chr1:200,649,212, A>G on the plus strand (T>C on the coding strand, the complement: DDX59 is on the minus strand). VCF-style: chr1-200649212-A-G. GRCh37 (hg19) VCF-style: chr1-200618340-A-G.
Other names: c.1329T>C, p.Phe443= (NM_001320181.2, NM_001349799.3, NM_001349800.3 and 2 more transcripts); c.987T>C, p.Phe329= (NM_001320182.1); c.1077T>C, p.Phe359= (NM_001349803.3); c.1063-4695T>C (NM_001349804.2).
Identifiers: ClinVar variation 749322 (VCV000749322.27), dbSNP rs115960805, ClinGen allele CA1318303.